The following is an entry in ClinVar:

ClinVar aggregate classification (germline): Uncertain significance. Review status: criteria provided, multiple submitters, no conflicts (2 of 4 stars). 2 submissions from 2 submitters: Uncertain significance (2). Last evaluated 2025-02-26.

Conditions:
DICER1-related tumor predisposition. Also called: DICER1-related pleuropulmonary blastoma cancer predisposition syndrome; DICER1 syndrome. Identifiers: Orphanet 284343, MedGen C3839822, MONDO:0100216.
Hereditary cancer-predisposing syndrome. Also called: Neoplastic Syndromes, Hereditary; Tumor predisposition; Hereditary neoplastic syndrome; Hereditary Cancer Syndrome. Identifiers: Orphanet 140162, MedGen C0027672, MeSH D009386, MONDO:0015356.

Submissions (2):

Labcorp Genetics (formerly Invitae), Labcorp
Classification: Uncertain significance for DICER1-related tumor predisposition. Last evaluated: 2025-02-26. Review status: criteria provided, single submitter. Criteria: Invitae Variant Classification Sherloc (09022015). Collection method: clinical testing. Allele origin: germline.
Comment: This sequence change replaces alanine, which is neutral and non-polar, with threonine, which is neutral and polar, at codon 555 of the DICER1 protein (p.Ala555Thr). This variant is not present in population databases (gnomAD no frequency). This variant has not been reported in the literature in individuals affected with DICER1-related conditions. ClinVar contains an entry for this variant (Variation ID: 2760115). Invitae Evidence Modeling of protein sequence and biophysical properties (such as structural, functional, and spatial information, amino acid conservation, physicochemical variation, residue mobility, and thermodynamic stability) has been performed for this missense variant. However, the output from this modeling did not meet the statistical confidence thresholds required to predict the impact of this variant on DICER1 protein function. In summary, the available evidence is currently insufficient to determine the role of this variant in disease. Therefore, it has been classified as a Variant of Uncertain Significance.

Ambry Genetics
Classification: Uncertain significance for Hereditary cancer-predisposing syndrome. Last evaluated: 2024-07-11. Review status: criteria provided, single submitter. Criteria: Ambry Variant Classification Scheme 2023. Collection method: clinical testing. Allele origin: germline.
Comment: The p.A555T variant (also known as c.1663G>A), located in coding exon 9 of the DICER1 gene, results from a G to A substitution at nucleotide position 1663. The alanine at codon 555 is replaced by threonine, an amino acid with similar properties. This amino acid position is conserved. In addition, the in silico prediction for this alteration is inconclusive. Based on the available evidence, the clinical significance of this variant remains unclear.

NM_177438.3(DICER1):c.1663G>A (p.Ala555Thr)

Gene: DICER1 (dicer 1, ribonuclease III; minus strand). Cytogenetic location: 14q32.13.
Variant type: single nucleotide variant.
Coding change: c.1663G>A on transcript NM_177438.3 (MANE Select); coding-DNA position 1663, G replaced by A.
Protein change: p.Ala555Thr; replaces alanine 555 with threonine.
Molecular consequence: missense variant. On other transcripts: 5 prime UTR variant (1), non-coding transcript variant (6).
Genome position (GRCh38, 1-based): chr14:95,116,542, C>T on the plus strand (G>A on the coding strand, the complement: DICER1 is on the minus strand). VCF-style: chr14-95116542-C-T. GRCh37 (hg19) VCF-style: chr14-95582879-C-T.
Other names: c.1663G>A, p.Ala555Thr (NM_001395695.1, NM_030621.4, NM_001195573.1 and 13 more transcripts); c.1258G>A, p.Ala420Thr (NM_001395696.1, NM_001395698.1, NM_001395687.1 and 3 more transcripts); c.-21G>A (NM_001395697.1); c.1381G>A, p.Ala461Thr (NM_001395686.1); c.1096G>A, p.Ala366Thr (NM_001395691.1); short protein forms A555T, A366T, A420T, A461T.
Identifiers: ClinVar variation 2760115 (VCV002760115.4), dbSNP rs1892489257, ClinGen allele CA390884849.